The following is an entry in ClinVar:

NM_000069.3(CACNA1S):c.103A>G (p.Thr35Ala)

Gene: CACNA1S (calcium voltage-gated channel subunit alpha1 S; minus strand). Cytogenetic location: 1q32.1.
Variant type: single nucleotide variant.
Coding change: c.103A>G on transcript NM_000069.3 (MANE Select); coding-DNA position 103, A replaced by G.
Protein change: p.Thr35Ala; replaces threonine 35 with alanine.
Molecular consequence: missense variant.
Genome position (GRCh38, 1-based): chr1:201,112,237, T>C on the plus strand (A>G on the coding strand, the complement: CACNA1S is on the minus strand). VCF-style: chr1-201112237-T-C. GRCh37 (hg19) VCF-style: chr1-201081365-T-C.
Other names: short protein forms T35A.
Identifiers: ClinVar variation 1379153 (VCV001379153.8), dbSNP rs1663150760, ClinGen allele CA344157957.

ClinVar aggregate classification (germline): Uncertain significance (1 of 4 stars; one submission).

Conditions:
Malignant hyperthermia, susceptibility to, 5 (MHS5). Also called: CACNA1S-Related Malignant Hyperthermia Susceptibility. Identifiers: Orphanet 423, MedGen C1866077, MONDO:0011163, OMIM 601887.
Hypokalemic periodic paralysis, type 1. Also called: HypoPP; Hypokalemic Periodic Paralysis Type 1 (AD). Identifiers: Orphanet 681, MedGen C3714580, MONDO:0042979, OMIM 170400.

Submission:

Labcorp Genetics (formerly Invitae), Labcorp
Classification: Uncertain significance for Hypokalemic periodic paralysis, type 1; Malignant hyperthermia, susceptibility to, 5. Last evaluated: 2023-08-11. Review status: criteria provided, single submitter. Criteria: Invitae Variant Classification Sherloc (09022015). Collection method: clinical testing. Allele origin: germline.
Comment: This sequence change replaces threonine, which is neutral and polar, with alanine, which is neutral and non-polar, at codon 35 of the CACNA1S protein (p.Thr35Ala). In summary, the available evidence is currently insufficient to determine the role of this variant in disease. Therefore, it has been classified as a Variant of Uncertain Significance. Advanced modeling of protein sequence and biophysical properties (such as structural, functional, and spatial information, amino acid conservation, physicochemical variation, residue mobility, and thermodynamic stability) performed at Invitae indicates that this missense variant is not expected to disrupt CACNA1S protein function. ClinVar contains an entry for this variant (Variation ID: 1379153). This variant has not been reported in the literature in individuals affected with CACNA1S-related conditions. This variant is not present in population databases (gnomAD no frequency).